The following is an entry in ClinVar:

ClinVar aggregate classification (germline): Benign/Likely benign. Review status: criteria provided, multiple submitters, no conflicts (2 of 4 stars). 11 submissions from 9 submitters: Benign (4); Likely benign (5). 2 of the submissions do not count toward it. Last evaluated 2026-02-03.

Conditions:
Charcot-Marie-Tooth disease axonal type 2X. Also called: CHARCOT-MARIE-TOOTH DISEASE, AXONAL, AUTOSOMAL RECESSIVE, TYPE 2X; CHARCOT-MARIE-TOOTH NEUROPATHY, TYPE 2X. Identifiers: Orphanet 466775, MedGen C5569024, MONDO:0014726, OMIM 616668.
Hereditary spastic paraplegia 11. Also called: Spastic paraplegia, mental retardation and thin corpus callosum; SPASTIC PARAPLEGIA, AUTOSOMAL RECESSIVE, COMPLICATED, WITH THIN CORPUS CALLOSUM; SPASTIC PARAPLEGIA, AUTOSOMAL RECESSIVE, WITH MENTAL IMPAIRMENT AND THIN CORPUS CALLOSUM; Spastic Paraplegia 11; Nakamura Osame syndrome; Autosomal recessive hereditary spastic paraplegia, mental impairment, and thin corpus callosum. Identifiers: Orphanet 2822, MedGen C1858479, MONDO:0011445, OMIM 604360.
Amyotrophic lateral sclerosis type 5 (ALS5). Also called: AMYOTROPHIC LATERAL SCLEROSIS 5, JUVENILE. Identifiers: Orphanet 300605, MedGen C1865864, MONDO:0011196, OMIM 602099.
Hereditary spastic paraplegia. Also called: Familial spastic paraparesis. Identifiers: Orphanet 685, MedGen C0037773, MONDO:0019064. Disease mechanism: loss of function.

Allele frequency attached by ClinVar (database versions not stated): gnomAD exomes 0.00093 and 0.00216; ExAC 0.00259; gnomAD 0.00877 and 0.00956; ESP Exome Variant Server 0.00893; TOPMed 0.01011; 1000 Genomes Project 0.01118; 1000 Genomes Project 30x 0.01140.
gnomAD v4.1: 2,770 of 1,614,178 alleles (0.17%); highest among the groups gnomAD compares: African/African-American, 3.2%; 46 homozygotes.

Submissions (11):

Labcorp Genetics (formerly Invitae), Labcorp
Classification: Benign for Hereditary spastic paraplegia 11. Last evaluated: 2026-02-03. Review status: criteria provided, single submitter. Criteria: Invitae Variant Classification Sherloc (09022015). Collection method: clinical testing. Allele origin: germline.

Athena Diagnostics
Classification: Benign. Last evaluated: 2024-03-01. Review status: criteria provided, single submitter. Criteria: Athena Diagnostics Criteria. Collection method: clinical testing. Allele origin: unknown.

Genome Diagnostics Laboratory, The Hospital for Sick Children
Classification: Likely benign for Hereditary spastic paraplegia. Last evaluated: 2018-11-01. Review status: criteria provided, single submitter. Criteria: ACMG Guidelines, 2015. Collection method: clinical testing. Allele origin: germline. Affected: yes.

Illumina Laboratory Services, Illumina
Classification: Likely benign for Hereditary spastic paraplegia 11. Last evaluated: 2018-01-12. Review status: criteria provided, single submitter. Criteria: ICSL Variant Classification Criteria 13 December 2019. Collection method: clinical testing. Allele origin: germline.
Comment: This variant was observed in the ICSL laboratory as part of a predisposition screen in an ostensibly healthy population. It had not been previously curated by ICSL or reported in the Human Gene Mutation Database (HGMD: prior to June 1st, 2018), and was therefore a candidate for classification through an automated scoring system. Utilizing variant allele frequency, disease prevalence and penetrance estimates, and inheritance mode, an automated score was calculated to assess if this variant is too frequent to cause the disease. Based on the score and internal cut-off values, a variant classified as likely benign is not then subjected to further curation. The score for this variant resulted in a classification of likely benign for this disease.

GeneDx
Classification: Benign. Last evaluated: 2017-09-28. Review status: criteria provided, single submitter. Criteria: GeneDx Variant Classification (06012015). Collection method: clinical testing. Allele origin: germline. Affected: yes.
Comment: This variant is considered likely benign or benign based on one or more of the following criteria: it is a conservative change, it occurs at a poorly conserved position in the protein, it is predicted to be benign by multiple in silico algorithms, and/or has population frequency not consistent with disease.

Mayo Clinic Laboratories, Mayo Clinic
Classification: Benign. Last evaluated: 2016-10-28. Review status: criteria provided, single submitter. Criteria: ACMG Guidelines, 2015. Collection method: clinical testing. Allele origin: germline. Observed: 14 variant alleles.

Genome-Nilou Lab
Classification: Likely benign for Amyotrophic lateral sclerosis type 5. Review status: criteria provided, single submitter. Criteria: ACMG Guidelines, 2015. Collection method: clinical testing. Allele origin: germline.

Genome-Nilou Lab
Classification: Likely benign for Charcot-Marie-Tooth disease axonal type 2X. Review status: criteria provided, single submitter. Criteria: ACMG Guidelines, 2015. Collection method: clinical testing. Allele origin: germline.

Genome-Nilou Lab
Classification: Likely benign for Hereditary spastic paraplegia 11. Review status: criteria provided, single submitter. Criteria: ACMG Guidelines, 2015. Collection method: clinical testing. Allele origin: germline.

Genome Diagnostics Laboratory, University Medical Center Utrecht
Classification: Benign. Review status: no assertion criteria provided. Collection method: clinical testing. Allele origin: germline. Affected: yes. Study: VKGL Data-share Consensus. Not counted in ClinVar's aggregate classification.

Joint Genome Diagnostic Labs from Nijmegen and Maastricht, Radboudumc and MUMC+
Classification: Benign. Review status: no assertion criteria provided. Collection method: clinical testing. Allele origin: germline. Affected: yes. Study: VKGL Data-share Consensus. Not counted in ClinVar's aggregate classification.

Literature cited by the submitters: PubMed 32019516 (cited by Athena Diagnostics).

NM_025137.4(SPG11):c.4810T>C (p.Phe1604Leu)

Gene: SPG11 (SPG11 vesicle trafficking associated, spatacsin; minus strand). Cytogenetic location: 15q21.1.
Variant type: single nucleotide variant.
Coding change: c.4810T>C on transcript NM_025137.4 (MANE Select); coding-DNA position 4810, T replaced by C.
Protein change: p.Phe1604Leu; replaces phenylalanine 1604 with leucine.
Molecular consequence: missense variant.
Genome position (GRCh38, 1-based): chr15:44,589,348, A>G on the plus strand (T>C on the coding strand, the complement: SPG11 is on the minus strand). VCF-style: chr15-44589348-A-G. GRCh37 (hg19) VCF-style: chr15-44881546-A-G.
Other names: c.4810T>C, p.Phe1604Leu (NM_001160227.2); short protein forms F1604L.
Identifiers: ClinVar variation 241596 (VCV000241596.26), dbSNP rs116807842, ClinGen allele CA7534571.